The following is an entry in ClinVar:

ClinVar aggregate classification (germline): Uncertain significance. Review status: criteria provided, multiple submitters, no conflicts (2 of 4 stars). 3 submissions from 3 submitters: Uncertain significance (3). Last evaluated 2025-09-16.

Conditions:
Cardiovascular phenotype. Identifiers: MedGen CN230736.
Costello syndrome (CSTLO). Also called: HRAS-Related Costello Syndrome; FACIOCUTANEOSKELETAL SYNDROME; FCS SYNDROME. Identifiers: Orphanet 3071, MedGen C0587248, MONDO:0009026, OMIM 218040.

Allele frequency attached by ClinVar (database versions not stated): TOPMed below 0.00001; gnomAD 0.00001.
gnomAD v4.1: 1 of 1,613,722 alleles (0.000062%); highest among the groups gnomAD compares: Non-Finnish European, 0.000085%; no homozygotes.

Submissions (3):

Dasa
Classification: Uncertain significance for Costello syndrome. Last evaluated: 2025-09-16. Review status: criteria provided, single submitter. Criteria: DASA Assertion Criteria. Collection method: clinical testing. Allele origin: germline.
Comment: NM_005343.4(HRAS):c.307G>A (p.Val103Met) is a missense variant that results in the substitution of valine with methionine. This variant is rare in population databases. Computational prediction algorithms are consistent with a deleterious effect. The currently available literature and clinical evidence are not sufficient to establish a definitive association between this variant and the reported condition. Therefore, this variant is classified as a variant of uncertain significance.

Ambry Genetics
Classification: Uncertain significance for Cardiovascular phenotype. Last evaluated: 2025-08-01. Review status: criteria provided, single submitter. Criteria: Ambry Variant Classification Scheme 2023. Collection method: clinical testing. Allele origin: germline.

Labcorp Genetics (formerly Invitae), Labcorp
Classification: Uncertain significance for Costello syndrome. Last evaluated: 2025-03-30. Review status: criteria provided, single submitter. Criteria: Invitae Variant Classification Sherloc (09022015). Collection method: clinical testing. Allele origin: germline.
Comment: This sequence change replaces valine, which is neutral and non-polar, with methionine, which is neutral and non-polar, at codon 103 of the HRAS protein (p.Val103Met). This variant is not present in population databases (gnomAD no frequency). This variant has not been reported in the literature in individuals affected with HRAS-related conditions. ClinVar contains an entry for this variant (Variation ID: 1021863). Invitae Evidence Modeling of protein sequence and biophysical properties (such as structural, functional, and spatial information, amino acid conservation, physicochemical variation, residue mobility, and thermodynamic stability) indicates that this missense variant is expected to disrupt HRAS protein function with a positive predictive value of 80%. In summary, the available evidence is currently insufficient to determine the role of this variant in disease. Therefore, it has been classified as a Variant of Uncertain Significance.

NM_005343.4(HRAS):c.307G>A (p.Val103Met)

Genes: HRAS (HRas proto-oncogene, GTPase; minus strand), LRRC56 (leucine rich repeat containing 56; plus strand). Cytogenetic location: 11p15.5.
Variant type: single nucleotide variant.
Coding change: c.307G>A on transcript NM_005343.4 (MANE Select); coding-DNA position 307, G replaced by A.
Protein change: p.Val103Met; replaces valine 103 with methionine.
Molecular consequence: missense variant. On other transcripts: 5 prime UTR variant (1).
Genome position (GRCh38, 1-based): chr11:533,596, C>T on the plus strand (G>A on the coding strand, the complement: HRAS is on the minus strand). VCF-style: chr11-533596-C-T. GRCh37 (hg19) VCF-style: chr11-533596-C-T.
Other names: c.307G>A, p.Val103Met (NM_001130442.3, NM_176795.5); c.-13G>A (NM_001318054.2); c.307G>A (NM_005343.2); short protein forms V103M.
Identifiers: ClinVar variation 1021863 (VCV001021863.10), dbSNP rs1213269684, ClinGen allele CA378923898.